The following is an entry in ClinVar:

NM_015178.3(RHOBTB2):c.556T>C (p.Tyr186His)

Gene: RHOBTB2 (Rho related BTB domain containing 2; plus strand). Cytogenetic location: 8p21.3.
Variant type: single nucleotide variant.
Coding change: c.556T>C on transcript NM_015178.3 (MANE Select); coding-DNA position 556, T replaced by C.
Protein change: p.Tyr186His; replaces tyrosine 186 with histidine.
Molecular consequence: missense variant.
Genome position (GRCh38, 1-based): chr8:23,006,801, T>C. VCF-style: chr8-23006801-T-C. GRCh37 (hg19) VCF-style: chr8-22864314-T-C.
Other names: c.622T>C, p.Tyr208His (NM_001160036.2); c.577T>C, p.Tyr193His (NM_001160037.2); c.556T>C, p.Tyr186His (NM_001374791.1); short protein forms Y186H, Y193H, Y208H.
Identifiers: ClinVar variation 4293530 (VCV004293530.1).

ClinVar aggregate classification (germline): Uncertain significance (1 of 4 stars; one submission).

Conditions:
Developmental and epileptic encephalopathy, 64. Also called: EPILEPTIC ENCEPHALOPATHY, EARLY INFANTILE, 64. Identifiers: MedGen C4693899, MONDO:0033373, OMIM 618004.

Submission:

3billion
Classification: Uncertain significance for Developmental and epileptic encephalopathy, 64. Last evaluated: 2024-09-24. Review status: criteria provided, single submitter. Criteria: ACMG Guidelines, 2015. Collection method: clinical testing. Allele origin: germline. Affected: yes.
Comment: The variant is not observed in the gnomAD v4.0.0 dataset. Predicted Consequence/Location: Missense variant. Damaging effect on gene or gene product predicted by in silico programs is uncertain [REVEL: 0.49 (damaging >=0.6, benign <0.4), 3Cnet: 0.03 (damaging >=0.6, benign <0.15)]. Therefore, this variant is classified as VUS according to the recommendation of ACMG/AMP guideline.